The following is an entry in ClinVar:

ClinVar aggregate classification (germline): Uncertain significance (1 of 4 stars; one submission).

Conditions:
KAT6B-related disorder. Also called: KAT6B-related disorders; KAT6B-related condition.

Submission:

Constantin Polychronakos Laboratory, The Research Institute of the McGill University Health Centre
Classification: Uncertain significance for KAT6B-related disorder. Last evaluated: 2025-04-15. Review status: criteria provided, single submitter. Criteria: ACMG Guidelines, 2015. Collection method: clinical testing. Allele origin: germline. Affected: yes.
Comment: The NM_012330.4(KAT6B):c.4682A>C(p.Asp1561Ala) variant causes a missense change involving the alteration of a conserved nucleotide. The variant was absent in control chromosomes in GnomAD project (PM2). The heterozygous variants of KAT6B gene are related to KAT6B disorders with a highly variable expressivity, in which functional or structural thyroid abnormalities such as hypothyroidism and thyroid agenesis or hypoplasia are present in many affected individuals. The clinical history of our patients (with variable expressions in different patients) included respiratory disease (central or obstructive sleep apnea), cardiovascular disease which presented at age 35y, growth anomalies including growth delay and poor weight gain, long thumbs and abnormalities of the toe such as great toes and overlapping toes, undescended testis, multicystic dysplastic kidneys, distinctive facial appearance, ocular anomalies, language disorders and speech difficulties, dental anomalies, history of other features such as scoliosis in the family, suggestive of the presence of a KAT6B disorder subtype with variable expression in the family members harboring this variant. This variant co-segregated with the thyroid disease in the family (PP1) and is classified as VUS according to ACMG guideline.

Literature cited by the submitters: DOI 10.3389/fendo.2025.1559281.

NM_012330.4(KAT6B):c.4682A>C (p.Asp1561Ala)

Gene: KAT6B (lysine acetyltransferase 6B; plus strand). Cytogenetic location: 10q22.2.
Variant type: single nucleotide variant.
Coding change: c.4682A>C on transcript NM_012330.4 (MANE Select); coding-DNA position 4682, A replaced by C.
Protein change: p.Asp1561Ala; replaces aspartic acid 1561 with alanine.
Molecular consequence: missense variant.
Genome position (GRCh38, 1-based): chr10:75,029,506, A>C. VCF-style: chr10-75029506-A-C. GRCh37 (hg19) VCF-style: chr10-76789264-A-C.
Other names: c.4133A>C, p.Asp1378Ala (NM_001256468.2, NM_001370138.1); c.3806A>C, p.Asp1269Ala (NM_001256469.2, NM_001370139.1, NM_001370140.1 and 2 more transcripts); c.3644A>C, p.Asp1215Ala (NM_001370132.1); c.2993A>C, p.Asp998Ala (NM_001370133.1); c.2597A>C, p.Asp866Ala (NM_001370134.1); c.2339A>C, p.Asp780Ala (NM_001370135.1); c.4682A>C, p.Asp1561Ala (NM_001370136.1, NM_001370137.1); c.3617A>C, p.Asp1206Ala (NM_001370143.1, NM_001370144.1); short protein forms D1206A, D1215A, D1269A, D1378A, D1561A, D780A, D866A, D998A.
Identifiers: ClinVar variation 3778829 (VCV003778829.1).